The following is an entry in ClinVar:

ClinVar aggregate classification (germline): Uncertain significance (1 of 4 stars; one submission).

gnomAD v4.1: 4 of 1,614,068 alleles (0.00025%); highest among the groups gnomAD compares: Non-Finnish European, 0.00034%; no homozygotes.

Submission:

Labcorp Genetics (formerly Invitae), Labcorp
Classification: Uncertain significance. Last evaluated: 2024-08-06. Review status: criteria provided, single submitter. Criteria: Invitae Variant Classification Sherloc (09022015). Collection method: clinical testing. Allele origin: germline.
Comment: This sequence change replaces serine, which is neutral and polar, with phenylalanine, which is neutral and non-polar, at codon 223 of the PRPF8 protein (p.Ser223Phe). This variant is not present in population databases (gnomAD no frequency). This variant has not been reported in the literature in individuals affected with PRPF8-related conditions. Advanced modeling of protein sequence and biophysical properties (such as structural, functional, and spatial information, amino acid conservation, physicochemical variation, residue mobility, and thermodynamic stability) performed at Invitae indicates that this missense variant is not expected to disrupt PRPF8 protein function with a negative predictive value of 80%. In summary, the available evidence is currently insufficient to determine the role of this variant in disease. Therefore, it has been classified as a Variant of Uncertain Significance.

NM_006445.4(PRPF8):c.668C>T (p.Ser223Phe)

Gene: PRPF8 (pre-mRNA processing factor 8; minus strand). Cytogenetic location: 17p13.3.
Variant type: single nucleotide variant.
Coding change: c.668C>T on transcript NM_006445.4 (MANE Select); coding-DNA position 668, C replaced by T.
Protein change: p.Ser223Phe; replaces serine 223 with phenylalanine.
Molecular consequence: missense variant.
Genome position (GRCh38, 1-based): chr17:1,681,676, G>A on the plus strand (C>T on the coding strand, the complement: PRPF8 is on the minus strand). VCF-style: chr17-1681676-G-A. GRCh37 (hg19) VCF-style: chr17-1584970-G-A.
Other names: short protein forms S223F.
Identifiers: ClinVar variation 3670364 (VCV003670364.2).